The following is an entry in ClinVar:

NM_001379286.1(ZNF423):c.1162C>T (p.Arg388Cys)

Gene: ZNF423 (zinc finger protein 423; minus strand). Cytogenetic location: 16q12.1.
Variant type: single nucleotide variant.
Coding change: c.1162C>T on transcript NM_001379286.1 (MANE Select); coding-DNA position 1162, C replaced by T.
Protein change: p.Arg388Cys; replaces arginine 388 with cysteine.
Molecular consequence: missense variant.
Genome position (GRCh38, 1-based): chr16:49,638,014, G>A on the plus strand (C>T on the coding strand, the complement: ZNF423 is on the minus strand). VCF-style: chr16-49638014-G-A. GRCh37 (hg19) VCF-style: chr16-49671925-G-A.
Other names: c.958C>T, p.Arg320Cys (NM_001271620.2); c.787C>T, p.Arg263Cys (NM_001330533.2); c.1138C>T, p.Arg380Cys (NM_015069.5); c.1138C>T (NM_015069.2); short protein forms R388C, R320C, R380C, R263C.
Identifiers: ClinVar variation 1361750 (VCV001361750.5), dbSNP rs985841675, ClinGen allele CA281212937.

ClinVar aggregate classification (germline): Uncertain significance. Review status: criteria provided, multiple submitters, no conflicts (2 of 4 stars). 3 submissions from 3 submitters: Uncertain significance (3). Last evaluated 2022-10-03.

Conditions:
Nephronophthisis 14 (NPHP14). Identifiers: Orphanet 2318, MedGen C3539071, MONDO:0013916, OMIM 614844.

Allele frequency attached by ClinVar (database versions not stated): gnomAD 0.00001; gnomAD exomes 0.00001 and 0.00002; TOPMed 0.00002.
gnomAD v4.1: 26 of 1,613,964 alleles (0.0016%); highest among the groups gnomAD compares: South Asian, 0.0022%; no homozygotes.

Submissions (3):

Labcorp Genetics (formerly Invitae), Labcorp
Classification: Uncertain significance for Nephronophthisis 14. Last evaluated: 2022-10-03. Review status: criteria provided, single submitter. Criteria: Invitae Variant Classification Sherloc (09022015). Collection method: clinical testing. Allele origin: germline.
Comment: This sequence change replaces arginine, which is basic and polar, with cysteine, which is neutral and slightly polar, at codon 380 of the ZNF423 protein (p.Arg380Cys). This variant is present in population databases (no rsID available, gnomAD 0.003%). This variant has not been reported in the literature in individuals affected with ZNF423-related conditions. ClinVar contains an entry for this variant (Variation ID: 1361750). Advanced modeling of protein sequence and biophysical properties (such as structural, functional, and spatial information, amino acid conservation, physicochemical variation, residue mobility, and thermodynamic stability) performed at Invitae indicates that this missense variant is not expected to disrupt ZNF423 protein function. In summary, the available evidence is currently insufficient to determine the role of this variant in disease. Therefore, it has been classified as a Variant of Uncertain Significance.

Fulgent Genetics
Classification: Uncertain significance for Nephronophthisis 14. Last evaluated: 2022-05-09. Review status: criteria provided, single submitter. Criteria: ACMG Guidelines, 2015. Collection method: clinical testing. Allele origin: unknown.

Ambry Genetics
Classification: Uncertain significance. Last evaluated: 2022-04-07. Review status: criteria provided, single submitter. Criteria: Ambry Variant Classification Scheme 2023. Collection method: clinical testing. Allele origin: germline.